The following is an entry in ClinVar:

ClinVar aggregate classification (germline): Uncertain significance (1 of 4 stars; one submission).

Conditions:
Genitopatellar syndrome (GTPTS). Also called: Genitopatellar syndrome (GPS); ABSENT PATELLAE, SCROTAL HYPOPLASIA, RENAL ANOMALIES, FACIAL DYSMORPHISM, AND MENTAL RETARDATION. Identifiers: Orphanet 85201, MedGen C1853566, MONDO:0011640, OMIM 606170.

Allele frequency attached by ClinVar (database versions not stated): gnomAD exomes below 0.00001.
gnomAD v4.1: 1 of 1,613,834 alleles (0.000062%); highest among the groups gnomAD compares: Non-Finnish European, 0.000085%; no homozygotes.

Submission:

Labcorp Genetics (formerly Invitae), Labcorp
Classification: Uncertain significance for Genitopatellar syndrome. Last evaluated: 2023-11-27. Review status: criteria provided, single submitter. Criteria: Invitae Variant Classification Sherloc (09022015). Collection method: clinical testing. Allele origin: germline.
Comment: This sequence change replaces proline, which is neutral and non-polar, with serine, which is neutral and polar, at codon 1393 of the KAT6B protein (p.Pro1393Ser). This variant is present in population databases (no rsID available, gnomAD 0.0009%). This variant has not been reported in the literature in individuals affected with KAT6B-related conditions. Advanced modeling of protein sequence and biophysical properties (such as structural, functional, and spatial information, amino acid conservation, physicochemical variation, residue mobility, and thermodynamic stability) performed at Invitae indicates that this missense variant is not expected to disrupt KAT6B protein function with a negative predictive value of 80%. In summary, the available evidence is currently insufficient to determine the role of this variant in disease. Therefore, it has been classified as a Variant of Uncertain Significance.

NM_012330.4(KAT6B):c.4177C>T (p.Pro1393Ser)

Gene: KAT6B (lysine acetyltransferase 6B; plus strand). Cytogenetic location: 10q22.2.
Variant type: single nucleotide variant.
Coding change: c.4177C>T on transcript NM_012330.4 (MANE Select); coding-DNA position 4177, C replaced by T.
Protein change: p.Pro1393Ser; replaces proline 1393 with serine.
Molecular consequence: missense variant.
Genome position (GRCh38, 1-based): chr10:75,029,001, C>T. VCF-style: chr10-75029001-C-T. GRCh37 (hg19) VCF-style: chr10-76788759-C-T.
Other names: c.3628C>T, p.Pro1210Ser (NM_001256468.2, NM_001370138.1); c.3301C>T, p.Pro1101Ser (NM_001256469.2, NM_001370139.1, NM_001370140.1 and 2 more transcripts); c.3139C>T, p.Pro1047Ser (NM_001370132.1); c.2488C>T, p.Pro830Ser (NM_001370133.1); c.2092C>T, p.Pro698Ser (NM_001370134.1); c.1834C>T, p.Pro612Ser (NM_001370135.1); c.4177C>T, p.Pro1393Ser (NM_001370136.1, NM_001370137.1); c.3112C>T, p.Pro1038Ser (NM_001370143.1, NM_001370144.1); short protein forms P1047S, P1101S, P1393S, P830S, P1038S, P1210S, P698S, P612S.
Identifiers: ClinVar variation 2881876 (VCV002881876.3), dbSNP rs1476008802, ClinGen allele CA377296273.
Genomic context (GRCh38, chr10:75,029,001, plus strand): 5'-GAAGGAGGAGGAAATGTAGAAAAAGATCCAGATGGTGCTAAAAGCCAAGAAAAAGAGGAA[C>T]CAGAAATCTCCACGGAAAAAGAAGACTCTGCACGTTTGGATGATCACGAAGAGGAGGAGG-3'
Protein context (NP_036462.2, residues 1383-1403): DGAKSQEKEE[Pro1393Ser]EISTEKEDSA